The following is an entry in ClinVar:

ClinVar aggregate classification (germline): Uncertain significance (1 of 4 stars; one submission).

gnomAD v4.1: 4 of 1,613,980 alleles (0.00025%); highest among the groups gnomAD compares: African/African-American, 0.0013%; no homozygotes.

Submission:

Labcorp Genetics (formerly Invitae), Labcorp
Classification: Uncertain significance. Last evaluated: 2025-09-03. Review status: criteria provided, single submitter. Criteria: Invitae Variant Classification Sherloc (09022015). Collection method: clinical testing. Allele origin: germline.
Comment: This sequence change replaces proline, which is neutral and non-polar, with leucine, which is neutral and non-polar, at codon 595 of the RFWD3 protein (p.Pro595Leu). This variant is present in population databases (rs568941961, gnomAD 0.0009%). This variant has not been reported in the literature in individuals affected with RFWD3-related conditions. ClinVar contains an entry for this variant (Variation ID: 3697636). An algorithm developed to predict the effect of missense changes on protein structure and function (PolyPhen-2) suggests that this variant is likely to be disruptive. In summary, the available evidence is currently insufficient to determine the role of this variant in disease. Therefore, it has been classified as a Variant of Uncertain Significance.

NM_018124.4(RFWD3):c.1784C>T (p.Pro595Leu)

Gene: RFWD3 (ring finger and WD repeat domain 3; minus strand). Cytogenetic location: 16q23.1.
Variant type: single nucleotide variant.
Coding change: c.1784C>T on transcript NM_018124.4 (MANE Select); coding-DNA position 1784, C replaced by T.
Protein change: p.Pro595Leu; replaces proline 595 with leucine.
Molecular consequence: missense variant.
Genome position (GRCh38, 1-based): chr16:74,628,637, G>A on the plus strand (C>T on the coding strand, the complement: RFWD3 is on the minus strand). VCF-style: chr16-74628637-G-A. GRCh37 (hg19) VCF-style: chr16-74662535-G-A.
Other names: c.1784C>T, p.Pro595Leu (NM_001370534.1, NM_001370535.1); c.1607C>T, p.Pro536Leu (NM_001370536.1); c.950C>T, p.Pro317Leu (NM_001370537.1, NM_001370539.1, NM_001370540.1 and 2 more transcripts); short protein forms P317L, P595L, P536L.
Identifiers: ClinVar variation 3697636 (VCV003697636.2).